The following is an entry in ClinVar:

NM_018896.5(CACNA1G):c.6884T>C (p.Leu2295Pro)

Gene: CACNA1G (calcium voltage-gated channel subunit alpha1 G; plus strand). Cytogenetic location: 17q21.33.
Variant type: single nucleotide variant.
Coding change: c.6884T>C on transcript NM_018896.5 (MANE Select); coding-DNA position 6884, T replaced by C.
Protein change: p.Leu2295Pro; replaces leucine 2295 with proline.
Molecular consequence: missense variant. On other transcripts: non-coding transcript variant (5).
Genome position (GRCh38, 1-based): chr17:50,626,501, T>C. VCF-style: chr17-50626501-T-C. GRCh37 (hg19) VCF-style: chr17-48703862-T-C.
Other names: c.6695T>C, p.Leu2232Pro (NM_001256324.2); c.6626T>C, p.Leu2209Pro (NM_001256325.2); c.6614T>C, p.Leu2205Pro (NM_001256326.2); c.6584T>C, p.Leu2195Pro (NM_001256327.2); c.6530T>C, p.Leu2177Pro (NM_001256328.2); c.6503T>C, p.Leu2168Pro (NM_001256329.2, NM_198387.3); c.6470T>C, p.Leu2157Pro (NM_001256330.2); c.6449T>C, p.Leu2150Pro (NM_001256331.2); and 18 more; short protein forms L2089P, L2112P, L2123P, L2145P, L2150P, L2157P, L2161P, L2164P.
Identifiers: ClinVar variation 3604972 (VCV003604972.2).

ClinVar aggregate classification (germline): Uncertain significance (1 of 4 stars; one submission).

gnomAD v4.1: 6 of 1,584,296 alleles (0.00038%); highest among the groups gnomAD compares: Admixed American, 0.0018%; no homozygotes.

Submission:

Labcorp Genetics (formerly Invitae), Labcorp
Classification: Uncertain significance. Last evaluated: 2024-07-13. Review status: criteria provided, single submitter. Criteria: Invitae Variant Classification Sherloc (09022015). Collection method: clinical testing. Allele origin: germline.
Comment: This sequence change replaces leucine, which is neutral and non-polar, with proline, which is neutral and non-polar, at codon 2295 of the CACNA1G protein (p.Leu2295Pro). This variant is not present in population databases (gnomAD no frequency). This variant has not been reported in the literature in individuals affected with CACNA1G-related conditions. Advanced modeling of protein sequence and biophysical properties (such as structural, functional, and spatial information, amino acid conservation, physicochemical variation, residue mobility, and thermodynamic stability) performed at Invitae indicates that this missense variant is not expected to disrupt CACNA1G protein function with a negative predictive value of 95%. In summary, the available evidence is currently insufficient to determine the role of this variant in disease. Therefore, it has been classified as a Variant of Uncertain Significance.